The following is an entry in ClinVar:

ClinVar aggregate classification (germline): Conflicting classifications of pathogenicity. Review status: criteria provided, conflicting classifications (1 of 4 stars). 2 submissions from 2 submitters: Uncertain significance (1); Likely benign (1). Last evaluated 2025-08-02.

Allele frequency attached by ClinVar (database versions not stated): ESP Exome Variant Server 0.00153; 1000 Genomes Project 0.00260; 1000 Genomes Project 30x 0.00297.
gnomAD v4.1: 672 of 1,592,250 alleles (0.042%); highest among the groups gnomAD compares: African/African-American, 0.74%; 1 homozygote.

Submissions (2):

Ambry Genetics
Classification: Uncertain significance. Last evaluated: 2025-08-02. Review status: criteria provided, single submitter. Criteria: Ambry Variant Classification Scheme 2023. Collection method: clinical testing. Allele origin: germline.

CeGaT Center for Human Genetics Tuebingen
Classification: Likely benign. Last evaluated: 2022-06-01. Review status: criteria provided, single submitter. Criteria: CeGaT Center For Human Genetics Tuebingen Variant Classification Criteria Version 2. Collection method: clinical testing. Allele origin: germline. Affected: yes. Observed: 1 variant allele.
Comment: RADIL: BP4, BS2

NM_018059.5(RADIL):c.709G>C (p.Gly237Arg)

Gene: RADIL (Rap associating with DIL domain; minus strand). Cytogenetic location: 7p22.1.
Variant type: single nucleotide variant.
Coding change: c.709G>C on transcript NM_018059.5 (MANE Select); coding-DNA position 709, G replaced by C.
Protein change: p.Gly237Arg; replaces glycine 237 with arginine.
Molecular consequence: missense variant.
Genome position (GRCh38, 1-based): chr7:4,836,432, C>G on the plus strand (G>C on the coding strand, the complement: RADIL is on the minus strand). VCF-style: chr7-4836432-C-G. GRCh37 (hg19) VCF-style: chr7-4876063-C-G.
Other names: c.709G>C (NM_018059.4); short protein forms G237R.
Identifiers: ClinVar variation 2657263 (VCV002657263.25), dbSNP rs377030351, ClinGen allele CA4139625.